The following continues an entry in ClinVar:

NM_000059.4(BRCA2):c.1114A>C (p.Asn372His)

Gene: BRCA2. ClinVar aggregate classification (germline): Benign. Benign (1).

Submissions 20 to 41 of 41:

Baylor Genetics
Classification: Benign for Familial cancer of breast. Last evaluated: 2017-02-23. Review status: criteria provided, single submitter. Criteria: ACMG Guidelines, 2015. Collection method: clinical testing. Allele origin: germline. Inheritance: Autosomal dominant inheritance. Affected: no. Not counted in ClinVar's aggregate classification.

Laboratory for Molecular Medicine, Mass General Brigham Personalized Medicine
Classification: Benign. Last evaluated: 2016-05-23. Review status: criteria provided, single submitter. Criteria: LMM Criteria. Collection method: clinical testing. Allele origin: germline. Observed: 1 variant allele. Not counted in ClinVar's aggregate classification.
Comment: p.Asn372His in exon 10 of BRCA2: This variant is not expected to have clinical s ignificance because it has been identified in 35.58% (5867/16490) of South Asian chromosomes by the Exome Aggregation Consortium (ExAC; dbSNP rs144848).

Eurofins Ntd Llc (ga)
Classification: Benign. Last evaluated: 2015-10-23. Review status: criteria provided, single submitter. Criteria: EGL Classification Definitions 2015. Collection method: clinical testing. Allele origin: germline. Observed: 206 variant alleles, 178 heterozygotes, 27 homozygotes, 1 hemizygote. Not counted in ClinVar's aggregate classification.

Clinical Genetics DNA and cytogenetics Diagnostics Lab, Erasmus MC, Erasmus Medical Center
Classification: Benign for Breast-ovarian cancer, familial, susceptibility to, 2. Last evaluated: 2015-09-21. Review status: criteria provided, single submitter. Criteria: ACGS Guidelines, 2013. Collection method: clinical testing. Allele origin: germline. Affected: yes. Study: VKGL Data-share Consensus. Not counted in ClinVar's aggregate classification.

GeneDx
Classification: Benign. Last evaluated: 2015-03-03. Review status: criteria provided, single submitter. Criteria: GeneDx Variant Classification Process June 2021. Collection method: clinical testing. Allele origin: germline. Affected: yes. Not counted in ClinVar's aggregate classification.
Comment: This variant is associated with the following publications: (PMID: 32846166, 25348552, 21476145, 24289560, 32356124, 31477031, 29988080, 21990134, 24728327, 26306726, 27153395, 11062481, 19253839, 18288416, 22044372, 24323938, 23249957, 14555511, 15695382, 21702907, 17767707, 21952622, 20352487, 20135345, 22703879)

Color Diagnostics, LLC DBA Color Health
Classification: Benign for Hereditary cancer-predisposing syndrome. Last evaluated: 2014-11-04. Review status: criteria provided, single submitter. Criteria: ACMG Guidelines, 2015. Collection method: clinical testing. Allele origin: germline. Not counted in ClinVar's aggregate classification.

Molecular Genetics Laboratory, University of Michigan
Classification: Benign for Breast-ovarian cancer, familial, susceptibility to, 2. Last evaluated: 2014-11-03. Review status: criteria provided, single submitter. Criteria: ACMG Guidelines, 2015. Collection method: clinical testing. Allele origin: germline. Affected: yes. Not counted in ClinVar's aggregate classification.

Genome Diagnostics Laboratory, University Medical Center Utrecht
Classification: Benign for Breast-ovarian cancer, familial, susceptibility to, 2. Last evaluated: 2014-10-09. Review status: criteria provided, single submitter. Criteria: ACGS Guidelines, 2013. Collection method: clinical testing. Allele origin: germline. Affected: yes. Study: VKGL Data-share Consensus. Not counted in ClinVar's aggregate classification.

Women's Health and Genetics/Laboratory Corporation of America, LabCorp
Classification: Benign for Hereditary breast ovarian cancer syndrome. Last evaluated: 2014-01-23. Review status: criteria provided, single submitter. Criteria: LabCorp Variant Classification Summary - May 2015. Collection method: clinical testing. Allele origin: germline. Not counted in ClinVar's aggregate classification.

Breakthrough Genomics
Classification: Benign. Review status: criteria provided, single submitter. Criteria: ACMG Guidelines, 2015. Collection method: not provided. Allele origin: germline. Inheritance: Autosomal recessive inheritance. Affected: yes. Not counted in ClinVar's aggregate classification.

GreenArray Genomic Research & Solutions of Accurate Diagnostic Private Limited
Classification: Benign for Breast-ovarian cancer, familial, susceptibility to, 2. Review status: criteria provided, single submitter. Criteria: ACMG Guidelines, 2015. Collection method: clinical testing. Allele origin: germline. Affected: no. Not counted in ClinVar's aggregate classification.

PreventionGenetics, part of Exact Sciences
Classification: Benign. Review status: criteria provided, single submitter. Criteria: ACMG Guidelines, 2015. Collection method: clinical testing. Allele origin: germline. Not counted in ClinVar's aggregate classification.

Mayo Clinic Laboratories, Mayo Clinic
Classification: Benign. Last evaluated: 2016-11-28. Review status: no assertion criteria provided. Collection method: clinical testing. Allele origin: unknown. Not counted in ClinVar's aggregate classification.

Next Generation Diagnostics, Novartis Institutes for BioMedical Research, Inc.
Classification: Uncertain significance for Breast ductal adenocarcinoma. Last evaluated: 2015-07-20. Review status: no assertion criteria provided. Collection method: research. Allele origin: germline. Affected: yes. Not counted in ClinVar's aggregate classification.

OMIM
Classification: Uncertain significance for RECLASSIFIED - VARIANT OF UNKNOWN SIGNIFICANCE. Last evaluated: 2014-02-01. Review status: no assertion criteria provided. Collection method: literature only. Allele origin: germline. Not counted in ClinVar's aggregate classification.

Counsyl
Classification: Benign for Breast-ovarian cancer, familial 2. Last evaluated: 2014-01-02. Review status: no assertion criteria provided. Collection method: literature only. Allele origin: unknown. Inheritance: Autosomal dominant inheritance. Not counted in ClinVar's aggregate classification.
Comment: High frequency in a 1kG or ESP population: 28.6 %. This submission and the accompanying classification are no longer maintained by the submitter.

ITMI
No classification provided. Condition: AllHighlyPenetrant. Last evaluated: 2013-09-19. Review status: no classification provided. Collection method: reference population. Allele origin: germline. Not counted in ClinVar's aggregate classification.
Comment: Please see associated publication for description of ethnicities

Biesecker Lab/Clinical Genomics Section, National Institutes of Health
Classification: Benign. Last evaluated: 2012-07-13. Review status: no assertion criteria provided. Collection method: research. Allele origin: germline. Affected: no. Observed: 298 variant alleles. Study: ClinSeq. Not counted in ClinVar's aggregate classification.
ClinVar note: Converted during submission from no known pathogenicity to Benign.

Clinical Genetics Laboratory, Department of Pathology, Netherlands Cancer Institute
Classification: Benign. Review status: no assertion criteria provided. Collection method: clinical testing. Allele origin: germline. Affected: yes. Study: VKGL Data-share Consensus. Not counted in ClinVar's aggregate classification.

Department of Pathology and Laboratory Medicine, Sinai Health System
Classification: Benign. Review status: no assertion criteria provided. Collection method: clinical testing. Allele origin: unknown. Affected: yes. Observed: 3 variant alleles. Study: The Canadian Open Genetics Repository (COGR). Not counted in ClinVar's aggregate classification.

Diagnostic Laboratory, Department of Genetics, University Medical Center Groningen
Classification: Benign for Breast-ovarian cancer, familial, susceptibility to, 2. Review status: no assertion criteria provided. Collection method: clinical testing. Allele origin: germline. Affected: yes. Study: VKGL Data-share Consensus. Not counted in ClinVar's aggregate classification.

Joint Genome Diagnostic Labs from Nijmegen and Maastricht, Radboudumc and MUMC+
Classification: Benign. Review status: no assertion criteria provided. Collection method: clinical testing. Allele origin: germline. Affected: yes. Study: VKGL Data-share Consensus. Not counted in ClinVar's aggregate classification.

Literature cited by the submitters: DOI 10.3389/fgene.2022.834265 (cited by National Health Laboratory Service, Universitas Academic Hospital and University of the Free State); PubMed 36329109 (cited by Genetics Program, Instituto Nacional de Cancer); PubMed 17767707 (cited by Women's Health and Genetics/Laboratory Corporation of America, LabCorp); PubMed 11927503 (cited by Women's Health and Genetics/Laboratory Corporation of America, LabCorp); PubMed 15235023 (cited by Women's Health and Genetics/Laboratory Corporation of America, LabCorp and OMIM); PubMed 20135345 (cited by Women's Health and Genetics/Laboratory Corporation of America, LabCorp); PubMed 14555511 (cited by Women's Health and Genetics/Laboratory Corporation of America, LabCorp); PubMed 24323938 (cited by OMIM); PubMed 11062481 (cited by OMIM); PubMed 24728327 (cited by ITMI).